The following is an entry in ClinVar:

ClinVar aggregate classification (germline): Uncertain significance (1 of 4 stars; one submission).

Conditions:
FGFR3-related chondrodysplasia. Identifiers: Orphanet 93420, MedGen C5681604, MONDO:0019685.

gnomAD v4.1: 1 of 1,524,652 alleles (0.000066%); highest among the groups gnomAD compares: South Asian, 0.0012%; no homozygotes.

Submission:

Genomenon, Inc
Classification: Uncertain significance for FGFR3-related chondrodysplasia. Last evaluated: 2026-06-23. Review status: criteria provided, single submitter. Criteria: Genomenon Sequence Variant Interpretation Standards - Updated. Collection method: curation. Allele origin: germline. Affected: no.
Comment: FGFR3 p.Asp668Tyr (c.2002G>T) is a missense variant that changes the amino acid at codon 668 from Aspartic acid to Tyrosine. This variant has been reported in the published literature (PMID:31920494). It is absent or not present at a significant frequency in gnomAD. In silico models predict that this variant is possibly or probably damaging. In conclusion, we classify FGFR3 p.Asp668Tyr (c.2002G>T) as a variant of uncertain significance.

Literature cited by the submitters: PubMed 31920494.

NM_000142.5(FGFR3):c.2002G>T (p.Asp668Tyr)

Gene: FGFR3 (fibroblast growth factor receptor 3; plus strand). Cytogenetic location: 4p16.3.
Variant type: single nucleotide variant.
Coding change: c.2002G>T on transcript NM_000142.5 (MANE Select); coding-DNA position 2002, G replaced by T.
Protein change: p.Asp668Tyr; replaces aspartic acid 668 with tyrosine.
Molecular consequence: missense variant. On other transcripts: non-coding transcript variant (1), intron variant (1).
Genome position (GRCh38, 1-based): chr4:1,806,299, G>T. VCF-style: chr4-1806299-G-T. GRCh37 (hg19) VCF-style: chr4-1808026-G-T.
Other names: c.2008G>T, p.Asp670Tyr (NM_001163213.2); c.2005G>T, p.Asp669Tyr (NM_001354809.2); c.1666G>T, p.Asp556Tyr (NM_022965.4); c.1962+126G>T (NM_001354810.2); short protein forms D556Y, D668Y, D669Y, D670Y.
Identifiers: ClinVar variation 4857799 (VCV004857799.1).